The following is an entry in ClinVar:

ClinVar aggregate classification (germline): Benign (1 of 4 stars; one submission).

Conditions:
Familial adenomatous polyposis 1 (FAP1). Also called: POLYPOSIS, ADENOMATOUS INTESTINAL; FAMILIAL ADENOMATOUS POLYPOSIS 1, ATTENUATED. Identifiers: MedGen C2713442, MONDO:0021056, OMIM 175100. Disease mechanism: loss of function.

Submission:

Myriad Genetics, Inc.
Classification: Benign for Familial adenomatous polyposis 1. Last evaluated: 2024-03-14. Review status: criteria provided, single submitter. Criteria: Myriad Autosomal Dominant, Autosomal Recessive and X-Linked Classification Criteria (2023). Collection method: clinical testing. Allele origin: unknown.
Comment: This variant is considered benign. This variant is a silent/synonymous amino acid change and it is not expected to impact splicing.

NM_000038.6(APC):c.2487A>C (p.Thr829=)

Gene: APC (APC regulator of Wnt signaling pathway; plus strand). Cytogenetic location: 5q22.2.
Variant type: single nucleotide variant.
Coding change: c.2487A>C on transcript NM_000038.6 (MANE Select); coding-DNA position 2487, A replaced by C.
Protein change: p.Thr829=; no amino-acid change (threonine 829 retained).
Molecular consequence: synonymous variant. On other transcripts: non-coding transcript variant (2).
Genome position (GRCh38, 1-based): chr5:112,838,081, A>C. VCF-style: chr5-112838081-A-C. GRCh37 (hg19) VCF-style: chr5-112173778-A-C.
Other names: c.2007A>C, p.Thr669= (NM_001354905.2); c.1638A>C, p.Thr546= (NM_001354906.2, NM_001407470.1); c.2571A>C, p.Thr857= (NM_001407446.1); c.2541A>C, p.Thr847= (NM_001407447.1, NM_001407448.1, NM_001407449.1 and 1 more transcripts); c.2487A>C, p.Thr829= (NM_001407450.1, NM_001127510.3, NM_001354895.2); c.2466A>C, p.Thr822= (NM_001407451.1); c.2457A>C, p.Thr819= (NM_001407452.1); c.2238A>C, p.Thr746= (NM_001407455.1, NM_001407454.1, NM_001407456.1 and 1 more transcripts); and 11 more.
Identifiers: ClinVar variation 3148069 (VCV003148069.1), dbSNP rs774460348, ClinGen allele CA445962790.